The following is an entry in ClinVar:

ClinVar aggregate classification (germline): Benign (1 of 4 stars; one submission).

Conditions:
Retinitis pigmentosa (RP). Identifiers: Orphanet 791, MedGen C0035334, MeSH D012174, MONDO:0019200, OMIM 268000. Inheritance: Autosomal dominant, autosomal recessive and X linked inheritance.

Allele frequency attached by ClinVar (database versions not stated): gnomAD exomes 0.00079; gnomAD 0.00472 and 0.00506; 1000 Genomes Project 0.00499; TOPMed 0.00522; 1000 Genomes Project 30x 0.00531.
gnomAD v4.1: 766 of 223,326 alleles (0.34%); highest among the groups gnomAD compares: African/African-American, 1.6%; 3 homozygotes.

Submission:

Illumina Laboratory Services, Illumina
Classification: Benign for Retinitis pigmentosa. Last evaluated: 2018-01-12. Review status: criteria provided, single submitter. Criteria: ICSL Variant Classification Criteria 13 December 2019. Collection method: clinical testing. Allele origin: germline.
Comment: This variant was observed in the ICSL laboratory as part of a predisposition screen in an ostensibly healthy population. It had not been previously curated by ICSL or reported in the Human Gene Mutation Database (HGMD: prior to June 1st, 2018), and was therefore a candidate for classification through an automated scoring system. Utilizing variant allele frequency, disease prevalence and penetrance estimates, and inheritance mode, an automated score was calculated to assess if this variant is too frequent to cause the disease. Based on the score and internal cut-off values, a variant classified as benign is not then subjected to further curation. The score for this variant resulted in a classification of benign for this disease.

NM_002098.6(GUCA1B):c.*473G>A

Gene: GUCA1B (guanylate cyclase activator 1B; minus strand). Cytogenetic location: 6p21.1.
Variant type: single nucleotide variant.
Coding change: c.*473G>A on transcript NM_002098.6 (MANE Select); 473 bases downstream of the stop codon, G replaced by A.
Molecular consequence: 3 prime UTR variant.
Genome position (GRCh38, 1-based): chr6:42,184,342, C>T on the plus strand (G>A on the coding strand, the complement: GUCA1B is on the minus strand). VCF-style: chr6-42184342-C-T. GRCh37 (hg19) VCF-style: chr6-42152080-C-T.
Identifiers: ClinVar variation 356722 (VCV000356722.5), dbSNP rs183630773, ClinGen allele CA10623890.
Genomic context (GRCh38, chr6:42,184,342, plus strand): 5'-GGTTTCACCCCGTGTTAGCCAGGATGGTCTCGATCTCCTGACCTCGTGATCTGCCCGCCT[C>T]GGCCTCCCAAAGTGCTGGGATTACAGGCGTGAGCCACCGTGCCCGGCAACTCCTGCCTTT-3'